The following is an entry in ClinVar:

NM_001372044.2(SHANK3):c.3421C>T (p.Arg1141Cys)

Gene: SHANK3 (SH3 and multiple ankyrin repeat domains 3; plus strand). Cytogenetic location: 22q13.33.
Variant type: single nucleotide variant.
Coding change: c.3421C>T on transcript NM_001372044.2 (MANE Select); coding-DNA position 3421, C replaced by T.
Protein change: p.Arg1141Cys; replaces arginine 1141 with cysteine.
Molecular consequence: missense variant.
Genome position (GRCh38, 1-based): chr22:50,721,029, C>T. VCF-style: chr22-50721029-C-T. GRCh37 (hg19) VCF-style: chr22-51159457-C-T.
Other names: short protein forms R1141C.
Identifiers: ClinVar variation 4535872 (VCV004535872.1).

ClinVar aggregate classification (germline): Uncertain significance (1 of 4 stars; one submission).

Submission:

Women's Health and Genetics/Laboratory Corporation of America, LabCorp
Classification: Uncertain significance. Last evaluated: 2025-09-03. Review status: criteria provided, single submitter. Criteria: LabCorp Variant Classification Summary - May 2015. Collection method: clinical testing. Allele origin: germline.
Comment: Variant summary: SHANK3 c.3421C>T (p.Pro1141Ser) results in a non-conservative amino acid change in the encoded protein sequence. Algorithms developed to predict the effect of missense changes on protein structure and function are either unavailable or do not agree on the potential impact of this missense change. The variant allele was found at a frequency of 1.8e-05 in 217552 control chromosomes. The available data on variant occurrences in the general population are insufficient to allow any conclusion about variant significance. To our knowledge, no occurrence of c.3421C>T in individuals affected with SHANK3-related conditions and no experimental evidence demonstrating its impact on protein function have been reported. ClinVar contains an entry for this variant (Variation ID: 1803663). Based on the evidence outlined above, the variant was classified as uncertain significance.